The following is an entry in ClinVar:

NM_004655.4(AXIN2):c.272G>T (p.Gly91Val)

Gene: AXIN2 (axin 2; minus strand). Cytogenetic location: 17q24.1.
Variant type: single nucleotide variant.
Coding change: c.272G>T on transcript NM_004655.4 (MANE Select); coding-DNA position 272, G replaced by T.
Protein change: p.Gly91Val; replaces glycine 91 with valine.
Molecular consequence: missense variant.
Genome position (GRCh38, 1-based): chr17:65,558,349, C>A on the plus strand (G>T on the coding strand, the complement: AXIN2 is on the minus strand). VCF-style: chr17-65558349-C-A. GRCh37 (hg19) VCF-style: chr17-63554467-C-A.
Other names: c.272G>T, p.Gly91Val (NM_001363813.1); short protein forms G91V.
Identifiers: ClinVar variation 2586366 (VCV002586366.2), dbSNP rs2144588799, ClinGen allele CA400681763.
Genomic context (GRCh38, chr17:65,558,349, plus strand): 5'-CAGAAGTCTAAGGTATCCACGCATTTCTCCCTCTCCAGGAAAGTTCGGAACAGGTAAGCA[C>A]CGTCTTGATCGCCCAATAAGGAGTGTAAGGACTTGGTCCACCGGGTCAGAGGGGAATCCG-3'
Protein context (NP_004646.3, residues 81-101): SLHSLLGDQD[Gly91Val]AYLFRTFLER

ClinVar aggregate classification (germline): Uncertain significance (1 of 4 stars; one submission).

Conditions:
Hereditary cancer-predisposing syndrome. Also called: Hereditary neoplastic syndrome; Tumor predisposition; Hereditary Cancer Syndrome; Neoplastic Syndromes, Hereditary. Identifiers: Orphanet 140162, MedGen C0027672, MeSH D009386, MONDO:0015356.

Submission:

Ambry Genetics
Classification: Uncertain significance for Hereditary cancer-predisposing syndrome. Last evaluated: 2023-08-24. Review status: criteria provided, single submitter. Criteria: Ambry Variant Classification Scheme 2023. Collection method: clinical testing. Allele origin: germline.
Comment: The p.G91V variant (also known as c.272G>T), located in coding exon 1 of the AXIN2 gene, results from a G to T substitution at nucleotide position 272. The glycine at codon 91 is replaced by valine, an amino acid with dissimilar properties. This amino acid position is conserved. In addition, the in silico prediction for this alteration is inconclusive. Since supporting evidence is limited at this time, the clinical significance of this alteration remains unclear.